The following is an entry in ClinVar:

ClinVar aggregate classification (germline): Uncertain significance. Review status: criteria provided, multiple submitters, no conflicts (2 of 4 stars). 2 submissions from 2 submitters: Uncertain significance (2). Last evaluated 2026-01-12.

Allele frequency attached by ClinVar (database versions not stated): TOPMed 0.00003; gnomAD 0.00005; gnomAD exomes 0.00006 and 0.00015; ExAC 0.00007; ESP Exome Variant Server 0.00015.
gnomAD v4.1: 217 of 1,614,094 alleles (0.013%); highest among the groups gnomAD compares: Non-Finnish European, 0.018%; no homozygotes.

Submissions (2):

Labcorp Genetics (formerly Invitae), Labcorp
Classification: Uncertain significance. Last evaluated: 2026-01-12. Review status: criteria provided, single submitter. Criteria: Invitae Variant Classification Sherloc (09022015). Collection method: clinical testing. Allele origin: germline.
Comment: This sequence change replaces arginine, which is basic and polar, with glutamine, which is neutral and polar, at codon 888 of the CNTNAP1 protein (p.Arg888Gln). This variant is present in population databases (rs372141725, gnomAD 0.01%). This variant has not been reported in the literature in individuals affected with CNTNAP1-related conditions. ClinVar contains an entry for this variant (Variation ID: 1449093). An algorithm developed to predict the effect of missense changes on protein structure and function (PolyPhen-2) suggests that this variant is likely to be disruptive. In summary, the available evidence is currently insufficient to determine the role of this variant in disease. Therefore, it has been classified as a Variant of Uncertain Significance.

GeneDx
Classification: Uncertain significance. Last evaluated: 2022-04-23. Review status: criteria provided, single submitter. Criteria: GeneDx Variant Classification Process June 2021. Collection method: clinical testing. Allele origin: germline. Affected: yes.
Comment: Not observed at significant frequency in large population cohorts (gnomAD); In silico analysis supports that this missense variant does not alter protein structure/function; Has not been previously published as pathogenic or benign to our knowledge

NM_003632.3(CNTNAP1):c.2663G>A (p.Arg888Gln)

Gene: CNTNAP1 (contactin associated protein 1; plus strand). Cytogenetic location: 17q21.2.
Variant type: single nucleotide variant.
Coding change: c.2663G>A on transcript NM_003632.3 (MANE Select); coding-DNA position 2663, G replaced by A.
Protein change: p.Arg888Gln; replaces arginine 888 with glutamine.
Molecular consequence: missense variant.
Genome position (GRCh38, 1-based): chr17:42,692,631, G>A. VCF-style: chr17-42692631-G-A. GRCh37 (hg19) VCF-style: chr17-40844649-G-A.
Other names: short protein forms R888Q.
Identifiers: ClinVar variation 1449093 (VCV001449093.7), dbSNP rs372141725, ClinGen allele CA8582110.
Genomic context (GRCh38, chr17:42,692,631, plus strand): 5'-TTGAGTTCAATGATGACGAGTGGCACCTGGTCCGGGCTGAAATCAACGTGAAGCAGGCCC[G>A]GCTCCGAGTGGATCACCGGCCCTGGGTTCTGCGGCCTATGCCACTGCAGACCTACATCTG-3'
Protein context (NP_003623.1, residues 878-898): VRAEINVKQA[Arg888Gln]LRVDHRPWVL